The following is an entry in ClinVar:

NM_004064.5(CDKN1B):c.35G>C (p.Ser12Thr)

Gene: CDKN1B (cyclin dependent kinase inhibitor 1B; plus strand). Cytogenetic location: 12p13.1.
Variant type: single nucleotide variant.
Coding change: c.35G>C on transcript NM_004064.5 (MANE Select); coding-DNA position 35, G replaced by C.
Protein change: p.Ser12Thr; replaces serine 12 with threonine.
Molecular consequence: missense variant.
Genome position (GRCh38, 1-based): chr12:12,717,874, G>C. VCF-style: chr12-12717874-G-C. GRCh37 (hg19) VCF-style: chr12-12870808-G-C.
Other names: c.35G>C (NM_004064.3); short protein forms S12T.
Identifiers: ClinVar variation 1014136 (VCV001014136.10), dbSNP rs775772074, ClinGen allele CA383968055.

ClinVar aggregate classification (germline): Uncertain significance. Review status: criteria provided, multiple submitters, no conflicts (2 of 4 stars). 2 submissions from 2 submitters: Uncertain significance (2). Last evaluated 2025-04-24.

Conditions:
Hereditary cancer-predisposing syndrome. Also called: Tumor predisposition; Hereditary Cancer Syndrome; Neoplastic Syndromes, Hereditary; Hereditary neoplastic syndrome. Identifiers: Orphanet 140162, MedGen C0027672, MeSH D009386, MONDO:0015356.
Multiple endocrine neoplasia type 4. Also called: MULTIPLE ENDOCRINE NEOPLASIA, TYPE IV. Identifiers: Orphanet 276152, MedGen C1970712, MONDO:0012552, OMIM 610755.

Submissions (2):

Ambry Genetics
Classification: Uncertain significance for Hereditary cancer-predisposing syndrome. Last evaluated: 2025-04-24. Review status: criteria provided, single submitter. Criteria: Ambry Variant Classification Scheme 2023. Collection method: clinical testing. Allele origin: germline.
Comment: The p.S12T variant (also known as c.35G>C), located in coding exon 1 of the CDKN1B gene, results from a G to C substitution at nucleotide position 35. The serine at codon 12 is replaced by threonine, an amino acid with similar properties. This amino acid position is conserved. In addition, this alteration is predicted to be tolerated by in silico analysis. Based on the available evidence, the clinical significance of this variant remains unclear.

Labcorp Genetics (formerly Invitae), Labcorp
Classification: Uncertain significance for Multiple endocrine neoplasia type 4. Last evaluated: 2024-12-30. Review status: criteria provided, single submitter. Criteria: Invitae Variant Classification Sherloc (09022015). Collection method: clinical testing. Allele origin: germline.
Comment: This sequence change replaces serine, which is neutral and polar, with threonine, which is neutral and polar, at codon 12 of the CDKN1B protein (p.Ser12Thr). This variant is not present in population databases (gnomAD no frequency). This variant has not been reported in the literature in individuals affected with CDKN1B-related conditions. ClinVar contains an entry for this variant (Variation ID: 1014136). An algorithm developed to predict the effect of missense changes on protein structure and function outputs the following: PolyPhen-2: "Benign". The threonine amino acid residue is found in multiple mammalian species, which suggests that this missense change does not adversely affect protein function. In summary, the available evidence is currently insufficient to determine the role of this variant in disease. Therefore, it has been classified as a Variant of Uncertain Significance.